The following is an entry in ClinVar:

NM_000789.4(ACE):c.3850C>T (p.Arg1284Cys)

Gene: ACE (angiotensin I converting enzyme; plus strand). Cytogenetic location: 17q23.3.
Variant type: single nucleotide variant.
Coding change: c.3850C>T on transcript NM_000789.4 (MANE Select); coding-DNA position 3850, C replaced by T.
Protein change: p.Arg1284Cys; replaces arginine 1284 with cysteine.
Molecular consequence: missense variant. On other transcripts: non-coding transcript variant (1).
Genome position (GRCh38, 1-based): chr17:63,497,295, C>T. VCF-style: chr17-63497295-C-T. GRCh37 (hg19) VCF-style: chr17-61574656-C-T.
Other names: c.3850C>T (NM_000789.3); c.2005C>T, p.Arg669Cys (NM_001178057.2); c.3283C>T, p.Arg1095Cys (NM_001382700.1); c.2998C>T, p.Arg1000Cys (NM_001382701.1); c.1465C>T, p.Arg489Cys (NM_001382702.1); c.2128C>T, p.Arg710Cys (NM_152830.3); short protein forms R1284C, R710C, R1095C, R669C, R1000C, R489C.
Identifiers: ClinVar variation 2084025 (VCV002084025.2), dbSNP rs375527470, ClinGen allele CA8700677.
Genomic context (GRCh38, chr17:63,497,295, plus strand): 5'-TTCCTGGGCATCGCCCTGCTGGTAGCCACCCTGGGCCTCAGCCAGCGGCTCTTCAGCATC[C>T]GCCACCGCAGCCTCCACCGGCACTCCCACGGGCCCCAGTTCGGCTCCGAGGTGGAGCTGA-3'
Protein context (NP_000780.1, residues 1274-1294): LGLSQRLFSI[Arg1284Cys]HRSLHRHSHG

ClinVar aggregate classification (germline): Uncertain significance. Review status: criteria provided, multiple submitters, no conflicts (2 of 4 stars). 2 submissions from 2 submitters: Uncertain significance (2). Last evaluated 2024-05-16.

Conditions:
Renal tubular dysgenesis of genetic origin. Also called: PRIMITIVE RENAL TUBULE SYNDROME. Identifiers: Orphanet 97369, MedGen C5681536, MONDO:0009970, OMIM 267430.

Allele frequency attached by ClinVar (database versions not stated): gnomAD exomes 0.00004; ExAC 0.00007; ESP Exome Variant Server 0.00016; TOPMed 0.00028; gnomAD 0.00032.
gnomAD v4.1: 104 of 1,551,758 alleles (0.0067%); highest among the groups gnomAD compares: African/African-American, 0.11%; no homozygotes.

Submissions (2):

Johns Hopkins Genomics, Johns Hopkins University
Classification: Uncertain significance for Renal tubular dysgenesis of genetic origin. Last evaluated: 2024-05-16. Review status: criteria provided, single submitter. Criteria: ACMG Guidelines, 2015. Collection method: clinical testing. Allele origin: germline.
Comment: This ACE missense variant (rs375527470) is rare (<0.1%) in a large population dataset (gnomAD v4.1.0: 104/1551758 total alleles; 0.007%; no homozygotes). It has been reported in ClinVar (Variation ID 2084025), but has not been reported in the literature, to our knowledge. Of two bioinformatics tools queried, one predicts that the substitution would be damaging, while the other predicts that it would be tolerated, and the arginine residue at this position is evolutionarily conserved across many of the species assessed. We consider the clinical significance of c.3850C>T in ACE to be uncertain at this time.

Labcorp Genetics (formerly Invitae), Labcorp
Classification: Uncertain significance. Last evaluated: 2022-07-29. Review status: criteria provided, single submitter. Criteria: Invitae Variant Classification Sherloc (09022015). Collection method: clinical testing. Allele origin: germline.
Comment: This sequence change replaces arginine, which is basic and polar, with cysteine, which is neutral and slightly polar, at codon 1284 of the ACE protein (p.Arg1284Cys). This variant is present in population databases (rs375527470, gnomAD 0.05%). This variant has not been reported in the literature in individuals affected with ACE-related conditions. Algorithms developed to predict the effect of missense changes on protein structure and function are either unavailable or do not agree on the potential impact of this missense change (SIFT: "Deleterious"; PolyPhen-2: "Possibly Damaging"; Align-GVGD: "Class C0"). In summary, the available evidence is currently insufficient to determine the role of this variant in disease. Therefore, it has been classified as a Variant of Uncertain Significance.